The following is an entry in ClinVar:

NM_014780.5(CUL7):c.4617C>T (p.Asp1539=)

Gene: CUL7 (cullin 7; minus strand). Cytogenetic location: 6p21.1.
Variant type: single nucleotide variant.
Coding change: c.4617C>T on transcript NM_014780.5 (MANE Select); coding-DNA position 4617, C replaced by T.
Protein change: p.Asp1539=; no amino-acid change (aspartic acid 1539 retained).
Molecular consequence: synonymous variant.
Genome position (GRCh38, 1-based): chr6:43,038,423, G>A on the plus strand (C>T on the coding strand, the complement: CUL7 is on the minus strand). VCF-style: chr6-43038423-G-A. GRCh37 (hg19) VCF-style: chr6-43006161-G-A.
Other names: c.4713C>T, p.Asp1571= (NM_001168370.2, NM_001374872.1); c.4629C>T, p.Asp1543= (NM_001374873.1); c.4614C>T, p.Asp1538= (NM_001374874.1).
Identifiers: ClinVar variation 3058242 (VCV003058242.4), dbSNP rs377131673, ClinGen allele CA3813154.

ClinVar aggregate classification (germline): Likely benign. Review status: criteria provided, single submitter (1 of 4 stars). 2 submissions from 2 submitters: Likely benign (1). 1 of the submissions does not count toward it. Last evaluated 2024-08-26.

Conditions:
CUL7-related disorder. Also called: CUL7-related condition.

Allele frequency attached by ClinVar (database versions not stated): ExAC 0.00001; gnomAD 0.00001; gnomAD exomes 0.00001; TOPMed 0.00001; ESP Exome Variant Server 0.00015.
gnomAD v4.1: 23 of 1,614,062 alleles (0.0014%); highest among the groups gnomAD compares: Non-Finnish European, 0.0018%; no homozygotes.

Submissions (2):

Labcorp Genetics (formerly Invitae), Labcorp
Classification: Likely benign. Last evaluated: 2024-08-26. Review status: criteria provided, single submitter. Criteria: Invitae Variant Classification Sherloc (09022015). Collection method: clinical testing. Allele origin: germline.

PreventionGenetics, part of Exact Sciences
Classification: Likely benign for CUL7-related condition. Last evaluated: 2019-04-04. Review status: no assertion criteria provided. Collection method: clinical testing. Allele origin: germline. Not counted in ClinVar's aggregate classification.
Comment: This variant is classified as likely benign based on ACMG/AMP sequence variant interpretation guidelines (Richards et al. 2015 PMID: 25741868, with internal and published modifications).